The following is an entry in ClinVar:

ClinVar aggregate classification (germline): Uncertain significance. Review status: criteria provided, multiple submitters, no conflicts (2 of 4 stars). 2 submissions from 2 submitters: Uncertain significance (2). Last evaluated 2020-09-17.

Conditions:
Cardiovascular phenotype. Identifiers: MedGen CN230736.

Allele frequency attached by ClinVar (database versions not stated): TOPMed below 0.00001; ExAC 0.00001; gnomAD 0.00001; gnomAD exomes 0.00001.
gnomAD v4.1: 1 of 1,612,354 alleles (0.000062%); highest among the groups gnomAD compares: Non-Finnish European, 0.000085%; no homozygotes.

Submissions (2):

Ambry Genetics
Classification: Uncertain significance for Cardiovascular phenotype. Last evaluated: 2020-09-17. Review status: criteria provided, single submitter. Criteria: Ambry Variant Classification Scheme 2023. Collection method: clinical testing. Allele origin: germline.
Comment: The p.N13171S variant (also known as c.39512A>G), located in coding exon 143 of the TTN gene, results from an A to G substitution at nucleotide position 39512. The asparagine at codon 13171 is replaced by serine, an amino acid with highly similar properties. This amino acid position is highly conserved in available vertebrate species. In addition, this alteration is predicted to be tolerated by in silico analysis. Since supporting evidence is limited at this time, the clinical significance of this alteration remains unclear.

GeneDx
Classification: Uncertain significance. Last evaluated: 2013-02-26. Review status: criteria provided, single submitter. Criteria: GeneDx Variant Classification (06012015). Collection method: clinical testing. Allele origin: germline. Affected: yes.
Comment: Missense variants in the TTN gene are considered 'unclassified' if they are not previously reported in the literature and do not have >1% frequency in the population to be considered a polymorphism. Research indicates that truncating mutations in the TTN gene are expected to account for approximately 25% of familial and 18% of sporadic idiopathic DCM; however, truncating variants in the TTN gene have been reported in approximately 3% of reported control alleles. There has been little investigation into non-truncating variants. (Herman D et al. Truncations of titin causing dilated cardiomyopathy. N Eng J Med 366:619-628, 2012) The variant is found in DCM panel(s).

NM_001267550.2(TTN):c.66707A>G (p.Asn22236Ser)

Genes: TTN (titin; minus strand), TTN-AS1 (TTN antisense RNA 1; plus strand). Cytogenetic location: 2q31.2.
Variant type: single nucleotide variant.
Coding change: c.66707A>G on transcript NM_001267550.2 (MANE Select); coding-DNA position 66707, A replaced by G.
Protein change: p.Asn22236Ser; replaces asparagine 22236 with serine.
Molecular consequence: missense variant.
Genome position (GRCh38, 1-based): chr2:178,581,561, T>C on the plus strand (A>G on the coding strand, the complement: TTN is on the minus strand). VCF-style: chr2-178581561-T-C. GRCh37 (hg19) VCF-style: chr2-179446288-T-C.
Other names: p.N20595S:AAT>AGT; c.61784A>G, p.Asn20595Ser (NM_001256850.1); c.39512A>G, p.Asn13171Ser (NM_003319.4); c.59003A>G, p.Asn19668Ser (NM_133378.4); c.39887A>G, p.Asn13296Ser (NM_133432.3); c.40088A>G, p.Asn13363Ser (NM_133437.4); short protein forms N20595S, N22236S, N13171S, N19668S, N13296S, N13363S.
Identifiers: ClinVar variation 202803 (VCV000202803.4), dbSNP rs771424887, ClinGen allele CA310337.